The following is an entry in ClinVar:

NM_198253.3(TERT):c.341C>T (p.Ala114Val)

Gene: TERT (telomerase reverse transcriptase; minus strand). Cytogenetic location: 5p15.33.
Variant type: single nucleotide variant.
Coding change: c.341C>T on transcript NM_198253.3 (MANE Select); coding-DNA position 341, C replaced by T.
Protein change: p.Ala114Val; replaces alanine 114 with valine.
Molecular consequence: missense variant. On other transcripts: non-coding transcript variant (2).
Genome position (GRCh38, 1-based): chr5:1,294,545, G>A on the plus strand (C>T on the coding strand, the complement: TERT is on the minus strand). VCF-style: chr5-1294545-G-A. GRCh37 (hg19) VCF-style: chr5-1294660-G-A.
Other names: c.341C>T, p.Ala114Val (NM_001193376.3, NM_003219.1); short protein forms A114V.
Identifiers: ClinVar variation 2944145 (VCV002944145.3), dbSNP rs2478429119, ClinGen allele CA359058233.
Genomic context (GRCh38, chr5:1,294,545, plus strand): 5'-CTCCCCCGCAGTGCGTCGGTCACCGTGTTGGGCAGGTAGCTGCGCACGCTGGTGGTGAAG[G>A]CCTCGGGGGGGCCCCCGCGGGCCCCGTCCAGCAGCGCGAAGCCGAAGGCCAGCACGTTCT-3'
Protein context (NP_937983.2, residues 104-124): LDGARGGPPE[Ala114Val]FTTSVRSYLP

ClinVar aggregate classification (germline): Uncertain significance (1 of 4 stars; one submission).

Conditions:
Idiopathic Pulmonary Fibrosis. Also called: Idiopathic fibrosing alveolitis, chronic form; idiopathic fibrosing alveolitis. Identifiers: Orphanet 2032, MedGen C1800706, MeSH D054990, MONDO:0800504.
Dyskeratosis congenita, autosomal dominant 2. Identifiers: MedGen C3151443, MONDO:0013521, OMIM 613989.

Submission:

Labcorp Genetics (formerly Invitae), Labcorp
Classification: Uncertain significance for Dyskeratosis congenita, autosomal dominant 2; Idiopathic Pulmonary Fibrosis. Last evaluated: 2023-02-10. Review status: criteria provided, single submitter. Criteria: Invitae Variant Classification Sherloc (09022015). Collection method: clinical testing. Allele origin: germline.
Comment: In summary, the available evidence is currently insufficient to determine the role of this variant in disease. Therefore, it has been classified as a Variant of Uncertain Significance. Advanced modeling of protein sequence and biophysical properties (such as structural, functional, and spatial information, amino acid conservation, physicochemical variation, residue mobility, and thermodynamic stability) performed at Invitae indicates that this missense variant is expected to disrupt TERT protein function. This variant is not present in population databases (gnomAD no frequency). This sequence change replaces alanine, which is neutral and non-polar, with valine, which is neutral and non-polar, at codon 114 of the TERT protein (p.Ala114Val). This variant has not been reported in the literature in individuals affected with TERT-related conditions.